The following is an entry in ClinVar:

ClinVar aggregate classification (germline): Uncertain significance (1 of 4 stars; one submission).

Submission:

GeneDx
Classification: Uncertain significance. Last evaluated: 2023-08-02. Review status: criteria provided, single submitter. Criteria: GeneDx Variant Classification Process June 2021. Collection method: clinical testing. Allele origin: germline. Affected: yes.
Comment: Not observed at significant frequency in large population cohorts (gnomAD); Nonsense variant predicted to result in protein truncation in a gene or region of a gene for which loss of function is not a well-established mechanism of disease; Has not been previously published as pathogenic or benign to our knowledge; This variant is associated with the following publications: (PMID: 28545555)

NM_152703.5(SAMD9L):c.535G>T (p.Glu179Ter)

Gene: SAMD9L (sterile alpha motif domain containing 9 like; minus strand). Cytogenetic location: 7q21.2.
Variant type: single nucleotide variant.
Coding change: c.535G>T on transcript NM_152703.5 (MANE Select); coding-DNA position 535, G replaced by T.
Protein change: p.Glu179Ter; replaces glutamic acid 179 with a stop codon.
Molecular consequence: nonsense.
Genome position (GRCh38, 1-based): chr7:93,135,437, C>A on the plus strand (G>T on the coding strand, the complement: SAMD9L is on the minus strand). VCF-style: chr7-93135437-C-A. GRCh37 (hg19) VCF-style: chr7-92764750-C-A.
Other names: c.535G>T, p.Glu179Ter (NM_001303496.3, NM_001303497.3, NM_001303498.3 and 5 more transcripts); short protein forms E179*.
Identifiers: ClinVar variation 3253508 (VCV003253508.1), dbSNP rs2535437175.